The following is an entry in ClinVar:

ClinVar aggregate classification (germline): Uncertain significance. Review status: criteria provided, multiple submitters, no conflicts (2 of 4 stars). 2 submissions from 2 submitters: Uncertain significance (2). Last evaluated 2024-06-13.

Conditions:
Shprintzen-Goldberg syndrome (SGS). Also called: SHPRINTZEN-GOLDBERG CRANIOSYNOSTOSIS SYNDROME; Marfanoid disorder with craniosynostosis type 1; Marfanoid craniosynostosis syndrome; Shprintzen-Goldberg marfanoid syndrome; CRANIOSYNOSTOSIS WITH ARACHNODACTYLY AND ABDOMINAL HERNIAS. Identifiers: Orphanet 2462, MedGen C1321551, MONDO:0008426, OMIM 182212.

gnomAD v4.1: 5 of 1,611,506 alleles (0.00031%); highest among the groups gnomAD compares: East Asian, 0.0022%; no homozygotes.

Submissions (2):

Labcorp Genetics (formerly Invitae), Labcorp
Classification: Uncertain significance for Shprintzen-Goldberg syndrome. Last evaluated: 2024-06-13. Review status: criteria provided, single submitter. Criteria: Invitae Variant Classification Sherloc (09022015). Collection method: clinical testing. Allele origin: germline.
Comment: This sequence change replaces alanine, which is neutral and non-polar, with threonine, which is neutral and polar, at codon 438 of the SKI protein (p.Ala438Thr). This variant is not present in population databases (gnomAD no frequency). This variant has not been reported in the literature in individuals affected with SKI-related conditions. Advanced modeling of protein sequence and biophysical properties (such as structural, functional, and spatial information, amino acid conservation, physicochemical variation, residue mobility, and thermodynamic stability) performed at Invitae indicates that this missense variant is not expected to disrupt SKI protein function with a negative predictive value of 95%. In summary, the available evidence is currently insufficient to determine the role of this variant in disease. Therefore, it has been classified as a Variant of Uncertain Significance.

Blueprint Genetics
Classification: Uncertain significance. Last evaluated: 2022-06-27. Review status: criteria provided, single submitter. Criteria: ACMG Guidelines, 2015. Collection method: clinical testing. Allele origin: germline.

NM_003036.4(SKI):c.1312G>A (p.Ala438Thr)

Gene: SKI (SKI proto-oncogene; plus strand). Cytogenetic location: 1p36.32.
Variant type: single nucleotide variant.
Coding change: c.1312G>A on transcript NM_003036.4 (MANE Select); coding-DNA position 1312, G replaced by A.
Protein change: p.Ala438Thr; replaces alanine 438 with threonine.
Molecular consequence: missense variant.
Genome position (GRCh38, 1-based): chr1:2,303,940, G>A. VCF-style: chr1-2303940-G-A. GRCh37 (hg19) VCF-style: chr1-2235379-G-A.
Other names: short protein forms A438T.
Identifiers: ClinVar variation 3727129 (VCV003727129.3).